The following is an entry in ClinVar:

ClinVar aggregate classification (germline): Uncertain significance. Review status: criteria provided, multiple submitters, no conflicts (2 of 4 stars). 8 submissions from 8 submitters: Uncertain significance (7). 1 of the submissions does not count toward it. Last evaluated 2026-01-07.

Conditions:
ATM-related disorder. Also called: ATM-related disorders; ATM-related condition.
Hereditary cancer-predisposing syndrome. Also called: Neoplastic Syndromes, Hereditary; Hereditary Cancer Syndrome; Tumor predisposition; Hereditary neoplastic syndrome. Identifiers: Orphanet 140162, MedGen C0027672, MeSH D009386, MONDO:0015356.
Familial cancer of breast. Also called: BREAST CANCER, FAMILIAL; hereditary breast carcinoma; Hereditary breast cancer. Identifiers: Orphanet 227535, MedGen C0346153, MONDO:0016419, OMIM 114480. Disease mechanism: loss of function.
Ataxia-telangiectasia syndrome (AT). Also called: Ataxia-telangiectasia, complementation group D; AT, COMPLEMENTATION GROUP C; Ataxia-telangiectasia; ATAXIA-TELANGIECTASIA, COMPLEMENTATION GROUP A; ATAXIA-TELANGIECTASIA, FRESNO VARIANT; Ataxia-telangiectasia, complementation group E. Identifiers: Orphanet 100, MedGen C0004135, MONDO:0008840, OMIM 208900.

Allele frequency attached by ClinVar (database versions not stated): gnomAD 0.00001; TOPMed below 0.00001; gnomAD exomes below 0.00001; ExAC 0.00001.
gnomAD v4.1: 2 of 1,612,438 alleles (0.00012%); highest among the groups gnomAD compares: African/African-American, 0.0013%; no homozygotes.

Submissions (8):

PreventionGenetics, part of Exact Sciences
Classification: Uncertain significance for ATM-related condition. Last evaluated: 2026-01-07. Review status: criteria provided, single submitter. Criteria: ACMG Guidelines, 2015. Collection method: clinical testing. Allele origin: germline.
Comment: The ATM c.6232T>C variant is predicted to result in the amino acid substitution p.Ser2078Pro. To our knowledge, this variant has not been reported in the literature. This variant is reported in 0.0062% of alleles in individuals of African descent in gnomAD and is interpreted as a variant of uncertain significance in ClinVar (Variation ID: 127423). At this time, the clinical significance of this variant is uncertain due to the absence of conclusive functional and genetic evidence.

Labcorp Genetics (formerly Invitae), Labcorp
Classification: Uncertain significance for Ataxia-telangiectasia syndrome. Last evaluated: 2025-11-02. Review status: criteria provided, single submitter. Criteria: Invitae Variant Classification Sherloc (09022015). Collection method: clinical testing. Allele origin: germline.
Comment: This sequence change replaces serine, which is neutral and polar, with proline, which is neutral and non-polar, at codon 2078 of the ATM protein (p.Ser2078Pro). This variant is present in population databases (rs587779854, gnomAD 0.007%). This variant has not been reported in the literature in individuals affected with ATM-related conditions. ClinVar contains an entry for this variant (Variation ID: 127423). Invitae Evidence Modeling of protein sequence and biophysical properties (such as structural, functional, and spatial information, amino acid conservation, physicochemical variation, residue mobility, and thermodynamic stability) indicates that this missense variant is not expected to disrupt ATM protein function with a negative predictive value of 95%. RNA analysis performed to evaluate the impact of this missense change on mRNA splicing indicates it does not significantly alter splicing (internal data). In summary, the available evidence is currently insufficient to determine the role of this variant in disease. Therefore, it has been classified as a Variant of Uncertain Significance.

Ambry Genetics
Classification: Uncertain significance for Hereditary cancer-predisposing syndrome. Last evaluated: 2025-06-06. Review status: criteria provided, single submitter. Criteria: Ambry Variant Classification Scheme 2023. Collection method: clinical testing. Allele origin: germline.
Comment: The p.S2078P variant (also known as c.6232T>C), located in coding exon 42 of the ATM gene, results from a T to C substitution at nucleotide position 6232. The serine at codon 2078 is replaced by proline, an amino acid with similar properties. This amino acid position is well conserved in available vertebrate species. In addition, this alteration is predicted to be tolerated by in silico analysis. Since supporting evidence is limited at this time, the clinical significance of this alteration remains unclear.

Fulgent Genetics
Classification: Uncertain significance for Familial cancer of breast; Ataxia-telangiectasia syndrome. Last evaluated: 2024-01-04. Review status: criteria provided, single submitter. Criteria: ACMG Guidelines, 2015. Collection method: clinical testing. Allele origin: germline.

Women's Health and Genetics/Laboratory Corporation of America, LabCorp
Classification: Uncertain significance. Last evaluated: 2023-03-14. Review status: criteria provided, single submitter. Criteria: LabCorp Variant Classification Summary - May 2015. Collection method: clinical testing. Allele origin: germline.

GeneDx
Classification: Uncertain significance. Last evaluated: 2019-12-10. Review status: criteria provided, single submitter. Criteria: GeneDx Variant Classification Process June 2021. Collection method: clinical testing. Allele origin: germline. Affected: yes.
Comment: Not observed at a significant frequency in large population cohorts (Lek et al., 2016); In silico analysis, which includes protein predictors and evolutionary conservation, supports a deleterious effect; Has not been previously published as pathogenic or benign to our knowledge

Color Diagnostics, LLC DBA Color Health
Classification: Uncertain significance for Hereditary cancer-predisposing syndrome. Last evaluated: 2019-06-05. Review status: criteria provided, single submitter. Criteria: ACMG Guidelines, 2015. Collection method: clinical testing. Allele origin: germline.

Natera, Inc.
Classification: Uncertain significance for Ataxia-telangiectasia. Last evaluated: 2021-08-11. Review status: no assertion criteria provided. Collection method: clinical testing. Allele origin: germline. Not counted in ClinVar's aggregate classification.

Literature cited by the submitters: PubMed 19931588 (cited by Ambry Genetics).

NM_000051.4(ATM):c.6232T>C (p.Ser2078Pro)

Genes: ATM (ATM serine/threonine kinase; plus strand), C11orf65 (chromosome 11 open reading frame 65; minus strand). Cytogenetic location: 11q22.3.
Variant type: single nucleotide variant.
Coding change: c.6232T>C on transcript NM_000051.4 (MANE Select); coding-DNA position 6232, T replaced by C.
Protein change: p.Ser2078Pro; replaces serine 2078 with proline.
Molecular consequence: missense variant. On other transcripts: intron variant (2).
Genome position (GRCh38, 1-based): chr11:108,317,406, T>C. VCF-style: chr11-108317406-T-C. GRCh37 (hg19) VCF-style: chr11-108188133-T-C.
Other names: p.S2078P:TCC>CCC; c.6232T>C, p.Ser2078Pro (NM_001351834.2); c.641-8335A>G (NM_001330368.2); c.*39-8335A>G (NM_001351110.2); short protein forms S2078P.
Identifiers: ClinVar variation 127423 (VCV000127423.36), dbSNP rs587779854, ClinGen allele CA286931.
Genomic context (GRCh38, chr11:108,317,406, plus strand): 5'-CTTAAAAACAAAATAACTCCTGTTTAGGCCTTGCAGAATTTGGGACTCTGCCATATTCTT[T>C]CCGTCTATTTAAAAGGATTGGATTATGAAAATAAAGACTGGTGTCCTGAACTAGAAGAAC-3'
Protein context (NP_000042.3, residues 2068-2088): LQNLGLCHIL[Ser2078Pro]VYLKGLDYEN